The following is an entry in ClinVar:

ClinVar aggregate classification (germline): Uncertain significance (1 of 4 stars; one submission).

Conditions:
Niemann-Pick disease, type C2 (NPC2). Identifiers: Orphanet 646, MedGen C1843366, MONDO:0011873, OMIM 607625.

Allele frequency attached by ClinVar (database versions not stated): TOPMed below 0.00001; gnomAD 0.00001; ExAC 0.00002.
gnomAD v4.1: 10 of 1,613,944 alleles (0.00062%); highest among the groups gnomAD compares: East Asian, 0.013%; no homozygotes.

Submission:

Labcorp Genetics (formerly Invitae), Labcorp
Classification: Uncertain significance for Niemann-Pick disease, type C2. Last evaluated: 2022-09-01. Review status: criteria provided, single submitter. Criteria: Invitae Variant Classification Sherloc (09022015). Collection method: clinical testing. Allele origin: germline.
Comment: This sequence change replaces valine, which is neutral and non-polar, with isoleucine, which is neutral and non-polar, at codon 81 of the NPC2 protein (p.Val81Ile). This variant is present in population databases (rs772444418, gnomAD 0.02%). This variant has not been reported in the literature in individuals affected with NPC2-related conditions. Algorithms developed to predict the effect of missense changes on protein structure and function output the following: SIFT: "Tolerated"; PolyPhen-2: "Benign"; Align-GVGD: "Class C0". The isoleucine amino acid residue is found in multiple mammalian species, which suggests that this missense change does not adversely affect protein function. In summary, the available evidence is currently insufficient to determine the role of this variant in disease. Therefore, it has been classified as a Variant of Uncertain Significance.

NM_006432.5(NPC2):c.241G>A (p.Val81Ile)

Gene: NPC2 (NPC intracellular cholesterol transporter 2; minus strand). Cytogenetic location: 14q24.3.
Variant type: single nucleotide variant.
Coding change: c.241G>A on transcript NM_006432.5 (MANE Select); coding-DNA position 241, G replaced by A.
Protein change: p.Val81Ile; replaces valine 81 with isoleucine.
Molecular consequence: missense variant.
Genome position (GRCh38, 1-based): chr14:74,484,537, C>T on the plus strand (G>A on the coding strand, the complement: NPC2 is on the minus strand). VCF-style: chr14-74484537-C-T. GRCh37 (hg19) VCF-style: chr14-74951240-C-T.
Other names: c.241G>A, p.Val81Ile (NM_001363688.1, NM_001375440.1); short protein forms V81I.
Identifiers: ClinVar variation 2202076 (VCV002202076.1), dbSNP rs772444418, ClinGen allele CA7268159.
Genomic context (GRCh38, chr14:74,484,537, plus strand): 5'-TAGGGCAGTTAATTCCACTCTTACAACCATCAGGCTCAGGAATGGGAAAGGGAACTGGGA[C>T]GCCCATCAGGATGCCATGCACCACGGCCTTGCTGCTTTTAGACTGAATATCTAAGAGAAA-3'
Protein context (NP_006423.1, residues 71-91): KAVVHGILMG[Val81Ile]PVPFPIPEPD